The following is an entry in ClinVar:

ClinVar aggregate classification (germline): Uncertain significance. Review status: criteria provided, multiple submitters, no conflicts (2 of 4 stars). 2 submissions from 2 submitters: Uncertain significance (2). Last evaluated 2025-09-05.

Conditions:
Cardiovascular phenotype. Identifiers: MedGen CN230736.

Allele frequency attached by ClinVar (database versions not stated): gnomAD 0.00001; TOPMed 0.00002.
gnomAD v4.1: 2 of 1,614,076 alleles (0.00012%); highest among the groups gnomAD compares: Admixed American, 0.0017%; no homozygotes.

Submissions (2):

Ambry Genetics
Classification: Uncertain significance for Cardiovascular phenotype. Last evaluated: 2025-09-05. Review status: criteria provided, single submitter. Criteria: Ambry Variant Classification Scheme 2023. Collection method: clinical testing. Allele origin: germline.

GeneDx
Classification: Uncertain significance. Last evaluated: 2025-08-05. Review status: criteria provided, single submitter. Criteria: GeneDx Variant Classification Process June 2021. Collection method: clinical testing. Allele origin: germline. Affected: yes.
Comment: Not observed at significant frequency in large population cohorts (gnomAD); In silico analysis supports that this missense variant has a deleterious effect on protein structure/function; Has not been previously published as pathogenic or benign to our knowledge

NM_005477.3(HCN4):c.1771G>T (p.Ala591Ser)

Gene: HCN4 (hyperpolarization activated cyclic nucleotide gated potassium channel 4; minus strand). Cytogenetic location: 15q24.1.
Variant type: single nucleotide variant.
Coding change: c.1771G>T on transcript NM_005477.3 (MANE Select); coding-DNA position 1771, G replaced by T.
Protein change: p.Ala591Ser; replaces alanine 591 with serine.
Molecular consequence: missense variant.
Genome position (GRCh38, 1-based): chr15:73,325,162, C>A on the plus strand (G>T on the coding strand, the complement: HCN4 is on the minus strand). VCF-style: chr15-73325162-C-A. GRCh37 (hg19) VCF-style: chr15-73617503-C-A.
Other names: short protein forms A591S.
Identifiers: ClinVar variation 1779811 (VCV001779811.4), dbSNP rs2042891361, ClinGen allele CA393091009.